The following is an entry in ClinVar:

ClinVar aggregate classification (germline): Pathogenic (1 of 4 stars; one submission).

Conditions:
Alstrom syndrome (ALMS). Identifiers: Orphanet 64, MedGen C0268425, MONDO:0008763, OMIM 203800.

Submission:

Labcorp Genetics (formerly Invitae), Labcorp
Classification: Pathogenic for Alstrom syndrome. Last evaluated: 2025-05-28. Review status: criteria provided, single submitter. Criteria: Invitae Variant Classification Sherloc (09022015). Collection method: clinical testing. Allele origin: germline.
Comment: This sequence change creates a premature translational stop signal (p.Gln3141*) in the ALMS1 gene. It is expected to result in an absent or disrupted protein product. Loss-of-function variants in ALMS1 are known to be pathogenic (PMID: 17594715). This variant is not present in population databases (gnomAD no frequency). This premature translational stop signal has been observed in individual(s) with clinical features of Alström syndrome (PMID: 36685911). ClinVar contains an entry for this variant (Variation ID: 3656707). Algorithms developed to predict the effect of sequence changes on RNA splicing suggest that this variant may disrupt the consensus splice site. For these reasons, this variant has been classified as Pathogenic.

Literature cited by the submitters: PubMed 17594715; PubMed 36685911.

NM_001378454.1(ALMS1):c.9418C>T (p.Gln3140Ter)

Gene: ALMS1 (ALMS1 centrosome and basal body associated protein; plus strand). Cytogenetic location: 2p13.1.
Variant type: single nucleotide variant.
Coding change: c.9418C>T on transcript NM_001378454.1 (MANE Select); coding-DNA position 9418, C replaced by T.
Protein change: p.Gln3140Ter; replaces glutamine 3140 with a stop codon.
Molecular consequence: nonsense.
Genome position (GRCh38, 1-based): chr2:73,491,377, C>T. VCF-style: chr2-73491377-C-T. GRCh37 (hg19) VCF-style: chr2-73718504-C-T.
Other names: c.9421C>T, p.Gln3141Ter (NM_015120.4); short protein forms Q3141*, Q3140*.
Identifiers: ClinVar variation 3656707 (VCV003656707.2).